The following is an entry in ClinVar:

NM_014236.4(GNPAT):c.1543C>T (p.Arg515Cys)

Gene: GNPAT (glyceronephosphate O-acyltransferase; plus strand). Cytogenetic location: 1q42.2.
Variant type: single nucleotide variant.
Coding change: c.1543C>T on transcript NM_014236.4 (MANE Select); coding-DNA position 1543, C replaced by T.
Protein change: p.Arg515Cys; replaces arginine 515 with cysteine.
Molecular consequence: missense variant.
Genome position (GRCh38, 1-based): chr1:231,272,332, C>T. VCF-style: chr1-231272332-C-T. GRCh37 (hg19) VCF-style: chr1-231408078-C-T.
Other names: c.1360C>T, p.Arg454Cys (NM_001316350.2); c.1543C>T (NM_014236.3); short protein forms R454C, R515C.
Identifiers: ClinVar variation 1059749 (VCV001059749.4), dbSNP rs774134716, ClinGen allele CA1452056.

ClinVar aggregate classification (germline): Uncertain significance. Review status: criteria provided, multiple submitters, no conflicts (2 of 4 stars). 2 submissions from 2 submitters: Uncertain significance (2). Last evaluated 2021-08-24.

Conditions:
Inborn genetic diseases. Identifiers: MedGen C0950123, MeSH D030342.

Allele frequency attached by ClinVar (database versions not stated): gnomAD exomes 0.00002; gnomAD 0.00004; TOPMed 0.00004; ExAC 0.00001.
gnomAD v4.1: 41 of 1,587,780 alleles (0.0026%); highest among the groups gnomAD compares: Non-Finnish European, 0.0031%; no homozygotes.

Submissions (2):

Labcorp Genetics (formerly Invitae), Labcorp
Classification: Uncertain significance. Last evaluated: 2021-08-24. Review status: criteria provided, single submitter. Criteria: Invitae Variant Classification Sherloc (09022015). Collection method: clinical testing. Allele origin: germline.
Comment: This sequence change replaces arginine with cysteine at codon 515 of the GNPAT protein (p.Arg515Cys). The arginine residue is weakly conserved and there is a large physicochemical difference between arginine and cysteine. This variant is present in population databases (rs774134716, ExAC 0.001%). This variant has not been reported in the literature in individuals affected with GNPAT-related conditions. Algorithms developed to predict the effect of missense changes on protein structure and function output the following: SIFT: "Tolerated"; PolyPhen-2: "Benign"; Align-GVGD: "Class C0". The cysteine amino acid residue is found in multiple mammalian species, which suggests that this missense change does not adversely affect protein function. In summary, the available evidence is currently insufficient to determine the role of this variant in disease. Therefore, it has been classified as a Variant of Uncertain Significance.

Ambry Genetics
Classification: Uncertain significance for Inborn genetic diseases. Last evaluated: 2021-07-09. Review status: criteria provided, single submitter. Criteria: Ambry Variant Classification Scheme 2023. Collection method: clinical testing. Allele origin: germline.